The following is an entry in ClinVar:

NM_003978.5(PSTPIP1):c.1054G>A (p.Glu352Lys)

Gene: PSTPIP1 (proline-serine-threonine phosphatase interacting protein 1; plus strand). Cytogenetic location: 15q24.3.
Variant type: single nucleotide variant.
Coding change: c.1054G>A on transcript NM_003978.5 (MANE Select); coding-DNA position 1054, G replaced by A.
Protein change: p.Glu352Lys; replaces glutamic acid 352 with lysine.
Molecular consequence: missense variant. On other transcripts: non-coding transcript variant (1).
Genome position (GRCh38, 1-based): chr15:77,035,870, G>A. VCF-style: chr15-77035870-G-A. GRCh37 (hg19) VCF-style: chr15-77328211-G-A.
Other names: c.997G>A, p.Glu333Lys (NM_001321135.2); c.1027G>A, p.Glu343Lys (NM_001321136.2); c.1249G>A, p.Glu417Lys (NM_001321137.1); short protein forms E352K, E343K, E417K, E333K.
Identifiers: ClinVar variation 317183 (VCV000317183.55), dbSNP rs201186216, ClinGen allele CA7676149.

ClinVar aggregate classification (germline): Conflicting classifications of pathogenicity. Review status: criteria provided, conflicting classifications (1 of 4 stars). 8 submissions from 8 submitters: Uncertain significance (1); Benign (1); Likely benign (5). 1 of the submissions does not count toward it. Last evaluated 2026-01-11.

Conditions:
Autoinflammatory syndrome. Identifiers: Orphanet 93665, MedGen C3890737, MONDO:0019751.
Pyogenic arthritis-pyoderma gangrenosum-acne syndrome (PAPA). Also called: PAPA SYNDROME; FAMILIAL RECURRENT ARTHRITIS. Identifiers: Orphanet 69126, MedGen C1858361, MONDO:0011462, OMIM 604416.
PSTPIP1-related disorder. Also called: PSTPIP1-related condition.

Allele frequency attached by ClinVar (database versions not stated): gnomAD 0.00012; 1000 Genomes Project 30x 0.00016; ESP Exome Variant Server 0.00016; 1000 Genomes Project 0.00020; TOPMed 0.00020; gnomAD exomes 0.00033; ExAC 0.00040.
gnomAD v4.1: 359 of 1,610,690 alleles (0.022%); highest among the groups gnomAD compares: Middle Eastern, 0.23%; no homozygotes.

Submissions (8):

Labcorp Genetics (formerly Invitae), Labcorp
Classification: Likely benign for Pyogenic arthritis-pyoderma gangrenosum-acne syndrome. Last evaluated: 2026-01-11. Review status: criteria provided, single submitter. Criteria: Invitae Variant Classification Sherloc (09022015). Collection method: clinical testing. Allele origin: germline.

CeGaT Center for Human Genetics Tuebingen
Classification: Likely benign. Last evaluated: 2025-10-01. Review status: criteria provided, single submitter. Criteria: CeGaT Center For Human Genetics Tuebingen Variant Classification Criteria Version 2. Collection method: clinical testing. Allele origin: germline. Affected: yes. Observed: 6 variant alleles.
Comment: PSTPIP1: BP4, BS2

Blueprint Genetics
Classification: Likely benign. Last evaluated: 2024-11-21. Review status: criteria provided, single submitter. Criteria: ACMG Guidelines, 2015. Collection method: clinical testing. Allele origin: germline.

ARUP Laboratories, Molecular Genetics and Genomics, ARUP Laboratories
Classification: Uncertain significance for Pyogenic arthritis-pyoderma gangrenosum-acne syndrome. Last evaluated: 2022-04-08. Review status: criteria provided, single submitter. Criteria: ARUP Molecular Germline Variant Investigation Process 2021. Collection method: clinical testing. Allele origin: germline.
Comment: The PSTPIP1 c.1054G>A; p.Glu352Lys variant (rs201186216) is reported in the literature in an individual affected with systemic auto-inflammatory disease (Rusmini 2016) but the variant was not determined to be causative. This variant is also reported in ClinVar (Variation ID: 317183) and is found in the general population with an allele frequency of 0.03% (83/277034 alleles) in the Genome Aggregation database. The glutamic acid at codon 352 is weakly conserved, and computational analyses predict that this variant is neutral (REVEL: 0.078). Due to limited information, the clinical significance of the p.Glu352Lys variant is uncertain at this time. Reference: Rusmini M et al. Next-generation sequencing and its initial applications for molecular diagnosis of systemic auto-inflammatory diseases. Ann Rheum Dis. 2016 Aug;75(8):1550-7. PMID: 26386126.

Genome Diagnostics Laboratory, The Hospital for Sick Children
Classification: Likely benign for Autoinflammatory syndrome. Last evaluated: 2021-05-25. Review status: criteria provided, single submitter. Criteria: ACMG Guidelines, 2015. Collection method: clinical testing. Allele origin: germline. Affected: yes.

GeneDx
Classification: Likely benign. Last evaluated: 2020-09-02. Review status: criteria provided, single submitter. Criteria: GeneDx Variant Classification Process June 2021. Collection method: clinical testing. Allele origin: germline. Affected: yes.

Illumina Laboratory Services, Illumina
Classification: Benign for Pyogenic arthritis-pyoderma gangrenosum-acne syndrome. Last evaluated: 2018-01-13. Review status: criteria provided, single submitter. Criteria: ICSL Variant Classification Criteria 13 December 2019. Collection method: clinical testing. Allele origin: germline.
Comment: This variant was observed in the ICSL laboratory as part of a predisposition screen in an ostensibly healthy population. It had not been previously curated by ICSL or reported in the Human Gene Mutation Database (HGMD: prior to June 1st, 2018), and was therefore a candidate for classification through an automated scoring system. Utilizing variant allele frequency, disease prevalence and penetrance estimates, and inheritance mode, an automated score was calculated to assess if this variant is too frequent to cause the disease. Based on the score and internal cut-off values, a variant classified as benign is not then subjected to further curation. The score for this variant resulted in a classification of benign for this disease.

PreventionGenetics, part of Exact Sciences
Classification: Likely benign for PSTPIP1-related condition. Last evaluated: 2023-08-01. Review status: no assertion criteria provided. Collection method: clinical testing. Allele origin: germline. Not counted in ClinVar's aggregate classification.
Comment: This variant is classified as likely benign based on ACMG/AMP sequence variant interpretation guidelines (Richards et al. 2015 PMID: 25741868, with internal and published modifications).